The following is an entry in ClinVar:

NM_001166108.2(PALLD):c.1965-13034G>T

Gene: PALLD (palladin, cytoskeletal associated protein; plus strand). Cytogenetic location: 4q32.3.
Variant type: single nucleotide variant.
Coding change: c.1965-13034G>T on transcript NM_001166108.2 (MANE Select); 13034 bases into the intron before coding-DNA position 1965, G replaced by T.
Molecular consequence: intron variant. On other transcripts: 5 prime UTR variant (1).
Genome position (GRCh38, 1-based): chr4:168,877,888, G>T. VCF-style: chr4-168877888-G-T. GRCh37 (hg19) VCF-style: chr4-169799039-G-T.
Other names: c.-4G>T (NM_001166110.2); c.1965-13034G>T (NM_016081.4); c.819-13034G>T (NM_001166109.2); c.-157-13034G>T (NM_001367570.1, NM_001367568.1, NM_001367567.1 and 1 more transcripts).
Identifiers: ClinVar variation 4841850 (VCV004841850.1).
Genomic context (GRCh38, chr4:168,877,888, plus strand): 5'-CTTCCCGCCGCCGCCCGCCTTCCCCGAGCTCGCGGCCTGCACGCCGCCCGCGTCCCCGGA[G>T]CCCATGAGCGCGCTGGCCTCCCGCTCCGCCCCCGCCATGCAGTCCTCCGGCTCCTTCAAC-3'

ClinVar aggregate classification (germline): Uncertain significance (1 of 4 stars; one submission).

Submission:

Ambry Genetics
Classification: Uncertain significance. Last evaluated: 2025-12-16. Review status: criteria provided, single submitter. Criteria: Ambry Variant Classification Scheme 2023. Collection method: clinical testing. Allele origin: germline.
Comment: The c.-4G>T variant is located in the 5' untranslated region (5&rsquo; UTR) of the PALLD gene. This variant results from a G to T substitution 4 bases upstream from the first translated codon. This nucleotide position is well conserved in available vertebrate species. The evidence for this gene-disease relationship is limited; therefore, the clinical significance of this alteration is unclear.